The following continues an entry in ClinVar:

NM_004960.4(FUS):c.153C>T (p.Gly51=)

Gene: FUS. ClinVar aggregate classification (germline): Benign. Benign (6).

Submissions 66 to 89 of 89:

Dr. Peter K. Rogan Lab, Western University
No classification provided (evidence only). Condition: Hepatocellular carcinoma. Review status: no classification provided. Collection method: in vitro. Allele origin: not applicable. Functional consequence: retained intron. Not counted in ClinVar's aggregate classification.

Dr. Peter K. Rogan Lab, Western University
No classification provided (evidence only). Condition: Hepatocellular carcinoma. Review status: no classification provided. Collection method: in vitro. Allele origin: not applicable. Functional consequence: retained intron. Not counted in ClinVar's aggregate classification.

Dr. Peter K. Rogan Lab, Western University
No classification provided (evidence only). Condition: Hepatocellular carcinoma. Review status: no classification provided. Collection method: in vitro. Allele origin: not applicable. Functional consequence: retained intron. Not counted in ClinVar's aggregate classification.

Dr. Peter K. Rogan Lab, Western University
No classification provided (evidence only). Condition: Nonpapillary renal cell carcinoma. Review status: no classification provided. Collection method: in vitro. Allele origin: not applicable. Functional consequence: skipped exon, retained intron. Not counted in ClinVar's aggregate classification.

Dr. Peter K. Rogan Lab, Western University
No classification provided (evidence only). Condition: Thymoma. Review status: no classification provided. Collection method: in vitro. Allele origin: not applicable. Functional consequence: retained intron. Not counted in ClinVar's aggregate classification.

Dr. Peter K. Rogan Lab, Western University
No classification provided (evidence only). Condition: Cholangiocarcinoma. Review status: no classification provided. Collection method: in vitro. Allele origin: not applicable. Functional consequence: retained intron. Not counted in ClinVar's aggregate classification.

Dr. Peter K. Rogan Lab, Western University
No classification provided (evidence only). Condition: Ovarian serous cystadenocarcinoma. Review status: no classification provided. Collection method: in vitro. Allele origin: not applicable. Functional consequence: retained intron. Not counted in ClinVar's aggregate classification.

Dr. Peter K. Rogan Lab, Western University
No classification provided (evidence only). Condition: Ovarian serous cystadenocarcinoma. Review status: no classification provided. Collection method: in vitro. Allele origin: not applicable. Functional consequence: retained intron. Not counted in ClinVar's aggregate classification.

Dr. Peter K. Rogan Lab, Western University
No classification provided (evidence only). Condition: Ovarian serous cystadenocarcinoma. Review status: no classification provided. Collection method: in vitro. Allele origin: not applicable. Functional consequence: retained intron. Not counted in ClinVar's aggregate classification.

Dr. Peter K. Rogan Lab, Western University
No classification provided (evidence only). Condition: Gastric cancer. Review status: no classification provided. Collection method: in vitro. Allele origin: not applicable. Functional consequence: retained intron. Not counted in ClinVar's aggregate classification.

Dr. Peter K. Rogan Lab, Western University
No classification provided (evidence only). Condition: Gastric cancer. Review status: no classification provided. Collection method: in vitro. Allele origin: not applicable. Functional consequence: retained intron. Not counted in ClinVar's aggregate classification.

Dr. Peter K. Rogan Lab, Western University
No classification provided (evidence only). Condition: Gastric cancer. Review status: no classification provided. Collection method: in vitro. Allele origin: not applicable. Functional consequence: retained intron. Not counted in ClinVar's aggregate classification.

Dr. Peter K. Rogan Lab, Western University
No classification provided (evidence only). Condition: Gastric cancer. Review status: no classification provided. Collection method: in vitro. Allele origin: not applicable. Functional consequence: retained intron. Not counted in ClinVar's aggregate classification.

Dr. Peter K. Rogan Lab, Western University
No classification provided (evidence only). Condition: Gastric cancer. Review status: no classification provided. Collection method: in vitro. Allele origin: not applicable. Functional consequence: retained intron. Not counted in ClinVar's aggregate classification.

Dr. Peter K. Rogan Lab, Western University
No classification provided (evidence only). Condition: Gastric cancer. Review status: no classification provided. Collection method: in vitro. Allele origin: not applicable. Functional consequence: retained intron. Not counted in ClinVar's aggregate classification.

Dr. Peter K. Rogan Lab, Western University
No classification provided (evidence only). Condition: Gastric cancer. Review status: no classification provided. Collection method: in vitro. Allele origin: not applicable. Functional consequence: retained intron. Not counted in ClinVar's aggregate classification.

Dr. Peter K. Rogan Lab, Western University
No classification provided (evidence only). Condition: Adrenocortical carcinoma, hereditary. Review status: no classification provided. Collection method: in vitro. Allele origin: not applicable. Functional consequence: retained intron. Not counted in ClinVar's aggregate classification.

Dr. Peter K. Rogan Lab, Western University
No classification provided (evidence only). Condition: Adrenocortical carcinoma, hereditary. Review status: no classification provided. Collection method: in vitro. Allele origin: not applicable. Functional consequence: retained intron. Not counted in ClinVar's aggregate classification.

Dr. Peter K. Rogan Lab, Western University
No classification provided (evidence only). Condition: Uterine carcinosarcoma. Review status: no classification provided. Collection method: in vitro. Allele origin: not applicable. Functional consequence: retained intron. Not counted in ClinVar's aggregate classification.

Dr. Peter K. Rogan Lab, Western University
No classification provided (evidence only). Condition: Uterine carcinosarcoma. Review status: no classification provided. Collection method: in vitro. Allele origin: not applicable. Functional consequence: retained intron. Not counted in ClinVar's aggregate classification.

Dr. Peter K. Rogan Lab, Western University
No classification provided (evidence only). Condition: Uveal melanoma. Review status: no classification provided. Collection method: in vitro. Allele origin: not applicable. Functional consequence: retained intron. Not counted in ClinVar's aggregate classification.

Dr. Peter K. Rogan Lab, Western University
No classification provided (evidence only). Condition: Malignant tumor of esophagus. Review status: no classification provided. Collection method: in vitro. Allele origin: not applicable. Functional consequence: retained intron. Not counted in ClinVar's aggregate classification.

Dr. Peter K. Rogan Lab, Western University
No classification provided (evidence only). Condition: Malignant tumor of esophagus. Review status: no classification provided. Collection method: in vitro. Allele origin: not applicable. Functional consequence: retained intron. Not counted in ClinVar's aggregate classification.

Genome Diagnostics Laboratory, Amsterdam University Medical Center
Classification: Likely benign. Review status: no assertion criteria provided. Collection method: clinical testing. Allele origin: germline. Affected: yes. Study: VKGL Data-share Consensus. Not counted in ClinVar's aggregate classification.